The following is an entry in ClinVar:

NM_005612.5(REST):c.2422G>A (p.Glu808Lys)

Gene: REST (RE1 silencing transcription factor; plus strand). Cytogenetic location: 4q12.
Variant type: single nucleotide variant.
Coding change: c.2422G>A on transcript NM_005612.5 (MANE Select); coding-DNA position 2422, G replaced by A.
Protein change: p.Glu808Lys; replaces glutamic acid 808 with lysine.
Molecular consequence: missense variant.
Genome position (GRCh38, 1-based): chr4:56,931,280, G>A. VCF-style: chr4-56931280-G-A. GRCh37 (hg19) VCF-style: chr4-57797446-G-A.
Other names: c.2422G>A, p.Glu808Lys (NM_001193508.2, NM_001363453.3); short protein forms E808K.
Identifiers: ClinVar variation 1904634 (VCV001904634.6), dbSNP rs753660418, ClinGen allele CA2932483.

ClinVar aggregate classification (germline): Uncertain significance. Review status: criteria provided, multiple submitters, no conflicts (2 of 4 stars). 2 submissions from 2 submitters: Uncertain significance (2). Last evaluated 2022-09-10.

Allele frequency attached by ClinVar (database versions not stated): gnomAD exomes below 0.00001; ExAC 0.00002.
gnomAD v4.1: 7 of 1,614,238 alleles (0.00043%); highest among the groups gnomAD compares: Non-Finnish European, 0.00059%; no homozygotes.

Submissions (2):

Labcorp Genetics (formerly Invitae), Labcorp
Classification: Uncertain significance. Last evaluated: 2022-09-10. Review status: criteria provided, single submitter. Criteria: Invitae Variant Classification Sherloc (09022015). Collection method: clinical testing. Allele origin: germline.
Comment: In summary, the available evidence is currently insufficient to determine the role of this variant in disease. Therefore, it has been classified as a Variant of Uncertain Significance. Algorithms developed to predict the effect of missense changes on protein structure and function output the following: SIFT: "Tolerated"; PolyPhen-2: "Benign"; Align-GVGD: "Class C0". The lysine amino acid residue is found in multiple mammalian species, which suggests that this missense change does not adversely affect protein function. This variant has not been reported in the literature in individuals affected with REST-related conditions. This variant is present in population databases (rs753660418, gnomAD 0.002%). This sequence change replaces glutamic acid, which is acidic and polar, with lysine, which is basic and polar, at codon 808 of the REST protein (p.Glu808Lys).

Blueprint Genetics
Classification: Uncertain significance. Last evaluated: 2022-07-13. Review status: criteria provided, single submitter. Criteria: ACMG Guidelines, 2015. Collection method: clinical testing. Allele origin: germline.